The following is an entry in ClinVar:

ClinVar aggregate classification (germline): Pathogenic. Review status: criteria provided, multiple submitters, no conflicts (2 of 4 stars). 3 submissions from 3 submitters: Pathogenic (3). Last evaluated 2025-05-19.

Conditions:
SPAST-related disorder. Also called: SPAST-related condition.
Hereditary spastic paraplegia 4. Also called: Familial spastic paraplegia autosomal dominant 2; Spastic Paraplegia 4; Spastic paraplegia 4, autosomal dominant. Identifiers: Orphanet 100985, MedGen C1866855, MONDO:0008438, OMIM 182601.

gnomAD v4.1: 1 of 1,571,220 alleles (0.000064%); highest among the groups gnomAD compares: Non-Finnish European, 0.000088%; no homozygotes.

Submissions (3):

PreventionGenetics, part of Exact Sciences
Classification: Pathogenic for SPAST-related condition. Last evaluated: 2025-05-19. Review status: criteria provided, single submitter. Criteria: ACMG Guidelines, 2015. Collection method: clinical testing. Allele origin: germline.
Comment: The SPAST c.508C>T variant is predicted to result in premature protein termination (p.Gln170*). This variant has been reported individuals with spastic paraplegia (Zhu et al. 2019. PubMed ID: 31751864; Oberoi et al. 2020. PubMed ID: 32850101). This variant has not been reported in a large population database (gnomAD), indicating this variant is rare. Nonsense variants in SPAST are expected to be pathogenic. This variant is interpreted as pathogenic.

Labcorp Genetics (formerly Invitae), Labcorp
Classification: Pathogenic for Hereditary spastic paraplegia 4. Last evaluated: 2022-06-04. Review status: criteria provided, single submitter. Criteria: Invitae Variant Classification Sherloc (09022015). Collection method: clinical testing. Allele origin: germline.
Comment: For these reasons, this variant has been classified as Pathogenic. This sequence change creates a premature translational stop signal (p.Gln170*) in the SPAST gene. It is expected to result in an absent or disrupted protein product. Loss-of-function variants in SPAST are known to be pathogenic (PMID: 20932283). This variant is not present in population databases (gnomAD no frequency). This premature translational stop signal has been observed in individual(s) with hereditary spastic paraplegia (PMID: 31751864). ClinVar contains an entry for this variant (Variation ID: 265647).

GeneDx
Classification: Pathogenic. Last evaluated: 2016-08-24. Review status: criteria provided, single submitter. Criteria: GeneDx Variant Classification (06012015). Collection method: clinical testing. Allele origin: germline. Affected: yes.
Comment: The Q170X variant in the SPAST gene has not been reported previously as a pathogenic variant nor as a benign variant, to our knowledge. This variant is predicted to cause loss of normal protein function either through protein truncation or nonsense-mediated mRNA decay. The Q170X variant was not observed in approximately 6,500 individuals of European and African American ancestry in the NHLBI Exome Sequencing Project, indicating it is not a common benign variant in these populations. We interpret Q170X as a pathogenic variant.

Literature cited by the submitters: PubMed 20932283 (cited by Labcorp Genetics (formerly Invitae), Labcorp); PubMed 31751864 (cited by Labcorp Genetics (formerly Invitae), Labcorp).

NM_014946.4(SPAST):c.508C>T (p.Gln170Ter)

Gene: SPAST (spastin; plus strand). Cytogenetic location: 2p22.3.
Variant type: single nucleotide variant.
Coding change: c.508C>T on transcript NM_014946.4 (MANE Select); coding-DNA position 508, C replaced by T.
Protein change: p.Gln170Ter; replaces glutamine 170 with a stop codon.
Molecular consequence: nonsense.
Genome position (GRCh38, 1-based): chr2:32,089,527, C>T. VCF-style: chr2-32089527-C-T. GRCh37 (hg19) VCF-style: chr2-32314596-C-T.
Other names: c.505C>T, p.Gln169Ter (NM_001363823.2, NM_001363875.2); c.508C>T, p.Gln170Ter (NM_001377959.1, NM_199436.2); short protein forms Q170*, Q169*.
Identifiers: ClinVar variation 265647 (VCV000265647.12), dbSNP rs886039695, ClinGen allele CA10588341.